The following is an entry in ClinVar:

NM_031263.4(HNRNPK):c.136C>T (p.Arg46Cys)

Gene: HNRNPK (heterogeneous nuclear ribonucleoprotein K; minus strand). Cytogenetic location: 9q21.32.
Variant type: single nucleotide variant.
Coding change: c.136C>T on transcript NM_031263.4 (MANE Select); coding-DNA position 136, C replaced by T.
Protein change: p.Arg46Cys; replaces arginine 46 with cysteine.
Molecular consequence: missense variant.
Genome position (GRCh38, 1-based): chr9:83,977,709, G>A on the plus strand (C>T on the coding strand, the complement: HNRNPK is on the minus strand). VCF-style: chr9-83977709-G-A. GRCh37 (hg19) VCF-style: chr9-86592624-G-A.
Other names: c.136C>T (NM_002140.3); c.136C>T, p.Arg46Cys (NM_001318186.2, NM_001318187.2, NM_001318188.2 and 2 more transcripts); short protein forms R46C.
Identifiers: ClinVar variation 3766482 (VCV003766482.3).

ClinVar aggregate classification (germline): Conflicting classifications of pathogenicity. Review status: criteria provided, conflicting classifications (1 of 4 stars). 3 submissions from 3 submitters: Pathogenic (1); Likely pathogenic (1); Uncertain significance (1). Last evaluated 2026-03-20.

Conditions:
Au-Kline syndrome. Also called: Neurodevelopmental disorder-craniofacial dysmorphism-cardiac defect-hip dysplasia syndrome due to a point mutation; Okamoto syndrome. Identifiers: Orphanet 2729, Orphanet 453499, Orphanet 453504, MedGen C4225274, MONDO:0014700, OMIM 616580.

Submissions (3):

MVZ Martinsried, Medicover Genetics
Classification: Uncertain significance for Au-Kline syndrome. Last evaluated: 2026-03-20. Review status: criteria provided, single submitter. Criteria: ClinGen Variant Curation SOP V3.2 + Classification Guidance July2025. Collection method: clinical testing. Allele origin: de novo. Affected: yes. Observed: 1 heterozygote.

GeneDx
Classification: Pathogenic. Last evaluated: 2024-10-25. Review status: criteria provided, single submitter. Criteria: GeneDx Variant Classification Process June 2021. Collection method: clinical testing. Allele origin: germline. Affected: yes.
Comment: In silico analysis supports that this missense variant has a deleterious effect on protein structure/function; Not observed at significant frequency in large population cohorts (gnomAD); This variant is associated with the following publications: (PMID: 36130591)

ARUP Laboratories, Molecular Genetics and Genomics, ARUP Laboratories
Classification: Likely pathogenic for Au-Kline syndrome. Last evaluated: 2024-02-29. Review status: criteria provided, single submitter. Criteria: ARUP Molecular Germline Variant Investigation Process 2024. Collection method: clinical testing. Allele origin: germline.
Comment: The HNRNPK c.136C>T; p.Arg46Cys variant has been reported in a cohort of suspected Au-Kline syndrome patients (Choufani 2022). This variant was identified as de novo in an individual with strong clinical suspicion for this condition, though was noted as having an "intermediate" DNA methylation signature compared with other similarly affected individuals (Choufani 2022). This variant is absent from the Genome Aggregation Database (v2.1.1), indicating it is not a common polymorphism. Computational analyses are uncertain whether this variant is neutral or deleterious (REVEL: 0.518). Additionally, another variant at the same codon, p.Arg46Leu, was identified as de novo in two similarly affected individuals, though the methylation in one was intermediate and strong in the other (Choufani 2022). Based on available information, the p.Arg46Cys variant is considered to be likely pathogenic. References: Choufani S et al. An HNRNPK-specific DNA methylation signature makes sense of missense variants and expands the phenotypic spectrum of Au-Kline syndrome. Am J Hum Genet. 2022 Oct 6;109(10):1867-1884. PMID: 36130591.